The following is an entry in ClinVar:

ClinVar aggregate classification (germline): Uncertain significance (1 of 4 stars; one submission).

gnomAD v4.1: 10 of 1,206,781 alleles (0.00083%); highest among the groups gnomAD compares: African/African-American, 0.014%; no homozygotes.

Submission:

Ambry Genetics
Classification: Uncertain significance. Last evaluated: 2026-07-23. Review status: criteria provided, single submitter. Criteria: Ambry Variant Classification Scheme 2023. Collection method: clinical testing. Allele origin: germline.
Comment: The c.5287T>G (p.F1763V) alteration is located in exon 6 (coding exon 3) of the ADGRG4 gene. This alteration results from a T to G substitution at nucleotide position 5287, causing the phenylalanine (F) at amino acid position 1763 to be replaced by a valine (V). Based on data from gnomAD, the G allele has an overall frequency of <0.001% (1/182330) total alleles studied. The highest observed frequency was 0.008% (1/13139) of African alleles. Based on insufficient or conflicting evidence, the clinical significance of this alteration remains unclear.

NM_153834.4(ADGRG4):c.5287T>G (p.Phe1763Val)

Gene: ADGRG4 (adhesion G protein-coupled receptor G4; plus strand). Cytogenetic location: Xq26.3.
Variant type: single nucleotide variant.
Coding change: c.5287T>G on transcript NM_153834.4 (MANE Select); coding-DNA position 5287, T replaced by G.
Protein change: p.Phe1763Val; replaces phenylalanine 1763 with valine.
Molecular consequence: missense variant.
Genome position (GRCh38, 1-based): chrX:136,348,993, T>G. VCF-style: chrX-136348993-T-G. GRCh37 (hg19) VCF-style: chrX-135431152-T-G.
Other names: short protein forms F1763V.
Identifiers: ClinVar variation 5033047 (VCV005033047.1).